The following is an entry in ClinVar:

NM_012293.3(PXDN):c.2730A>C (p.Ile910=)

Gene: PXDN (peroxidasin; minus strand). Cytogenetic location: 2p25.3.
Variant type: single nucleotide variant.
Coding change: c.2730A>C on transcript NM_012293.3 (MANE Select); coding-DNA position 2730, A replaced by C.
Protein change: p.Ile910=; no amino-acid change (isoleucine 910 retained).
Molecular consequence: synonymous variant.
Genome position (GRCh38, 1-based): chr2:1,649,050, T>G on the plus strand (A>C on the coding strand, the complement: PXDN is on the minus strand). VCF-style: chr2-1649050-T-G. GRCh37 (hg19) VCF-style: chr2-1652822-T-G.
Identifiers: ClinVar variation 260223 (VCV000260223.16), dbSNP rs1863135, ClinGen allele CA1512906.

ClinVar aggregate classification (germline): Benign. Review status: criteria provided, multiple submitters, no conflicts (2 of 4 stars). 6 submissions from 6 submitters: Benign (6). Last evaluated 2026-02-02.

Conditions:
Anterior segment dysgenesis 7 (ASGD7). Also called: Anterior segment dysgenesis 7, with sclerocornea; SCLEROCORNEA WITH OTHER OCULAR ANOMALIES. Identifiers: Orphanet 289499, MedGen C3151617, MONDO:0010015, OMIM 269400.

Allele frequency attached by ClinVar (database versions not stated): ESP Exome Variant Server 0.89915; TOPMed 0.89953; 1000 Genomes Project 30x 0.93410; 1000 Genomes Project 0.93550.
gnomAD v4.1: 1,451,451 of 1,612,596 alleles (90%); highest among the groups gnomAD compares: East Asian, 100%; 653,976 homozygotes.

Submissions (6):

Labcorp Genetics (formerly Invitae), Labcorp
Classification: Benign for Anterior segment dysgenesis 7. Last evaluated: 2026-02-02. Review status: criteria provided, single submitter. Criteria: Invitae Variant Classification Sherloc (09022015). Collection method: clinical testing. Allele origin: germline.

Blueprint Genetics
Classification: Benign. Last evaluated: 2024-11-26. Review status: criteria provided, single submitter. Criteria: ACMG Guidelines, 2015. Collection method: clinical testing. Allele origin: germline.

Genome-Nilou Lab
Classification: Benign for Anterior segment dysgenesis 7. Last evaluated: 2021-07-14. Review status: criteria provided, single submitter. Criteria: ACMG Guidelines, 2015. Collection method: clinical testing. Allele origin: germline. Affected: no.

GeneDx
Classification: Benign. Last evaluated: 2018-03-24. Review status: criteria provided, single submitter. Criteria: GeneDx Variant Classification (06012015). Collection method: clinical testing. Allele origin: germline. Affected: yes.
Comment: This variant is considered likely benign or benign based on one or more of the following criteria: it is a conservative change, it occurs at a poorly conserved position in the protein, it is predicted to be benign by multiple in silico algorithms, and/or has population frequency not consistent with disease.

Breakthrough Genomics
Classification: Benign. Review status: criteria provided, single submitter. Criteria: ACMG Guidelines, 2015. Collection method: not provided. Allele origin: germline. Inheritance: Autosomal recessive inheritance. Affected: yes.

PreventionGenetics, part of Exact Sciences
Classification: Benign. Review status: criteria provided, single submitter. Criteria: ACMG Guidelines, 2015. Collection method: clinical testing. Allele origin: germline.